The following is an entry in ClinVar:

ClinVar aggregate classification (germline): Likely benign. Review status: criteria provided, multiple submitters, no conflicts (2 of 4 stars). 3 submissions from 3 submitters: Likely benign (3). Last evaluated 2025-12-24.

Conditions:
VCAN-related disorder. Also called: VCAN-related condition.

Allele frequency attached by ClinVar (database versions not stated): ESP Exome Variant Server 0.00008; ExAC 0.00013; gnomAD exomes 0.00014; TOPMed 0.00015.
gnomAD v4.1: 359 of 1,614,042 alleles (0.022%); highest among the groups gnomAD compares: Admixed American, 0.065%; no homozygotes.

Submissions (3):

Labcorp Genetics (formerly Invitae), Labcorp
Classification: Likely benign. Last evaluated: 2025-12-24. Review status: criteria provided, single submitter. Criteria: Invitae Variant Classification Sherloc (09022015). Collection method: clinical testing. Allele origin: germline.

PreventionGenetics, part of Exact Sciences
Classification: Likely benign for VCAN-related condition. Last evaluated: 2025-09-08. Review status: criteria provided, single submitter. Criteria: ACMG Guidelines, 2015. Collection method: clinical testing. Allele origin: germline.
Comment: This variant is classified as likely benign based on ACMG/AMP sequence variant interpretation guidelines (Richards et al. 2015 PMID: 25741868, with internal and published modifications).

Blueprint Genetics
Classification: Likely benign. Last evaluated: 2024-06-04. Review status: criteria provided, single submitter. Criteria: ACMG Guidelines, 2015. Collection method: clinical testing. Allele origin: germline.

NM_004385.5(VCAN):c.855G>T (p.Ala285=)

Gene: VCAN (versican; plus strand). Cytogenetic location: 5q14.3.
Variant type: single nucleotide variant.
Coding change: c.855G>T on transcript NM_004385.5 (MANE Select); coding-DNA position 855, G replaced by T.
Protein change: p.Ala285=; no amino-acid change (alanine 285 retained).
Molecular consequence: synonymous variant.
Genome position (GRCh38, 1-based): chr5:83,512,209, G>T. VCF-style: chr5-83512209-G-T. GRCh37 (hg19) VCF-style: chr5-82808028-G-T.
Other names: c.855G>T (NM_004385.4); c.855G>T, p.Ala285= (NM_001126336.3, NM_001164097.2, NM_001164098.2).
Identifiers: ClinVar variation 1103356 (VCV001103356.11), dbSNP rs372962945, ClinGen allele CA3332541.